The following is an entry in ClinVar:

NM_006073.4(TRDN):c.1682T>A (p.Val561Asp)

Gene: TRDN (triadin; minus strand). Cytogenetic location: 6q22.31.
Variant type: single nucleotide variant.
Coding change: c.1682T>A on transcript NM_006073.4 (MANE Select); coding-DNA position 1682, T replaced by A.
Protein change: p.Val561Asp; replaces valine 561 with aspartic acid.
Molecular consequence: missense variant.
Genome position (GRCh38, 1-based): chr6:123,271,177, A>T on the plus strand (T>A on the coding strand, the complement: TRDN is on the minus strand). VCF-style: chr6-123271177-A-T. GRCh37 (hg19) VCF-style: chr6-123592322-A-T.
Other names: short protein forms V561D.
Identifiers: ClinVar variation 1304211 (VCV001304211.6), dbSNP rs947096255, ClinGen allele CA147231213.

ClinVar aggregate classification (germline): Uncertain significance. Review status: criteria provided, multiple submitters, no conflicts (2 of 4 stars). 3 submissions from 3 submitters: Uncertain significance (3). Last evaluated 2023-10-03.

Conditions:
Catecholaminergic polymorphic ventricular tachycardia 1. Also called: RYR2-Related Catecholaminergic Polymorphic Ventricular Tachycardia; VENTRICULAR TACHYCARDIA, CATECHOLAMINERGIC POLYMORPHIC, 1, WITH OR WITHOUT ATRIAL DYSFUNCTION AND/OR DILATED CARDIOMYOPATHY; VENTRICULAR TACHYCARDIA, STRESS-INDUCED POLYMORPHIC 1. Identifiers: Orphanet 3286, MedGen C1631597, MONDO:0011484, OMIM 604772.
Catecholaminergic polymorphic ventricular tachycardia 5 (CARDAR). Also called: CARDIAC ARRHYTHMIA SYNDROME, WITH OR WITHOUT SKELETAL MUSCLE WEAKNESS; Ventricular tachycardia, catecholaminergic polymorphic, 5, with or without muscle weakness. Identifiers: Orphanet 3286, MedGen C3809536, MONDO:0014191, OMIM 615441.

Allele frequency attached by ClinVar (database versions not stated): gnomAD 0.00001; TOPMed 0.00002.
gnomAD v4.1: 6 of 1,540,076 alleles (0.00039%); highest among the groups gnomAD compares: African/African-American, 0.0083%; no homozygotes.

Submissions (3):

Labcorp Genetics (formerly Invitae), Labcorp
Classification: Uncertain significance for Catecholaminergic polymorphic ventricular tachycardia 1. Last evaluated: 2023-10-03. Review status: criteria provided, single submitter. Criteria: Invitae Variant Classification Sherloc (09022015). Collection method: clinical testing. Allele origin: germline.
Comment: This sequence change replaces valine, which is neutral and non-polar, with aspartic acid, which is acidic and polar, at codon 561 of the TRDN protein (p.Val561Asp). This variant is present in population databases (no rsID available, gnomAD 0.01%). This variant has not been reported in the literature in individuals affected with TRDN-related conditions. ClinVar contains an entry for this variant (Variation ID: 1304211). Advanced modeling of protein sequence and biophysical properties (such as structural, functional, and spatial information, amino acid conservation, physicochemical variation, residue mobility, and thermodynamic stability) performed at Invitae indicates that this missense variant is not expected to disrupt TRDN protein function. In summary, the available evidence is currently insufficient to determine the role of this variant in disease. Therefore, it has been classified as a Variant of Uncertain Significance.

Fulgent Genetics
Classification: Uncertain significance for Catecholaminergic polymorphic ventricular tachycardia 1; Catecholaminergic polymorphic ventricular tachycardia 5. Last evaluated: 2021-09-24. Review status: criteria provided, single submitter. Criteria: ACMG Guidelines, 2015. Collection method: clinical testing. Allele origin: unknown.

GeneDx
Classification: Uncertain significance. Last evaluated: 2021-01-13. Review status: criteria provided, single submitter. Criteria: GeneDx Variant Classification Process June 2021. Collection method: clinical testing. Allele origin: germline. Affected: yes.
Comment: Has not been previously published as pathogenic or benign to our knowledge; Not observed at a significant frequency in large population cohorts (Lek et al., 2016); In silico analysis supports that this missense variant does not alter protein structure/function